The following is an entry in ClinVar:

ClinVar aggregate classification (germline): Uncertain significance. Review status: criteria provided, multiple submitters, no conflicts (2 of 4 stars). 2 submissions from 2 submitters: Uncertain significance (2). Last evaluated 2025-11-17.

Conditions:
Inborn genetic diseases. Identifiers: MedGen C0950123, MeSH D030342.
RYR1-related disorder. Also called: RYR1-related condition; RYR1-related disorders. Identifiers: MedGen CN239331.

gnomAD v4.1: 5 of 1,613,996 alleles (0.00031%); highest among the groups gnomAD compares: Admixed American, 0.0033%; no homozygotes.

Submissions (2):

Ambry Genetics
Classification: Uncertain significance for Inborn genetic diseases. Last evaluated: 2025-11-17. Review status: criteria provided, single submitter. Criteria: Ambry Variant Classification Scheme 2023. Collection method: clinical testing. Allele origin: germline.

Labcorp Genetics (formerly Invitae), Labcorp
Classification: Uncertain significance for RYR1-related disorder. Last evaluated: 2024-03-07. Review status: criteria provided, single submitter. Criteria: Invitae Variant Classification Sherloc (09022015). Collection method: clinical testing. Allele origin: germline.
Comment: This sequence change replaces proline, which is neutral and non-polar, with glutamine, which is neutral and polar, at codon 4761 of the RYR1 protein (p.Pro4761Gln). This variant is present in population databases (no rsID available, gnomAD 0.004%). This variant has not been reported in the literature in individuals affected with RYR1-related conditions. Advanced modeling of protein sequence and biophysical properties (such as structural, functional, and spatial information, amino acid conservation, physicochemical variation, residue mobility, and thermodynamic stability) has been performed at Invitae for this missense variant, however the output from this modeling did not meet the statistical confidence thresholds required to predict the impact of this variant on RYR1 protein function. In summary, the available evidence is currently insufficient to determine the role of this variant in disease. Therefore, it has been classified as a Variant of Uncertain Significance.

NM_000540.3(RYR1):c.14282C>A (p.Pro4761Gln)

Gene: RYR1 (ryanodine receptor 1; plus strand). Cytogenetic location: 19q13.2.
Variant type: single nucleotide variant.
Coding change: c.14282C>A on transcript NM_000540.3 (MANE Select); coding-DNA position 14282, C replaced by A.
Protein change: p.Pro4761Gln; replaces proline 4761 with glutamine.
Molecular consequence: missense variant.
Genome position (GRCh38, 1-based): chr19:38,578,027, C>A. VCF-style: chr19-38578027-C-A. GRCh37 (hg19) VCF-style: chr19-39068667-C-A.
Other names: c.14267C>A, p.Pro4756Gln (NM_001042723.2); short protein forms P4756Q, P4761Q.
Identifiers: ClinVar variation 3704320 (VCV003704320.3).